The following is an entry in ClinVar:

ClinVar aggregate classification (germline): Uncertain significance (1 of 4 stars; one submission).

Conditions:
Hereditary cancer-predisposing syndrome. Also called: Neoplastic Syndromes, Hereditary; Hereditary neoplastic syndrome; Tumor predisposition; Hereditary Cancer Syndrome. Identifiers: Orphanet 140162, MedGen C0027672, MeSH D009386, MONDO:0015356.

Submission:

Ambry Genetics
Classification: Uncertain significance for Hereditary cancer-predisposing syndrome. Last evaluated: 2022-11-17. Review status: criteria provided, single submitter. Criteria: Ambry Variant Classification Scheme 2023. Collection method: clinical testing. Allele origin: germline.
Comment: The p.M1? variant (also known as c.3G>A) is located in coding exon 1 of the NF2 gene and results from a G to A substitution at nucleotide position 3. This alters the methionine residue at the initiation codon (ATG). This amino acid position is highly conserved in available vertebrate species. Sequence variations that modify the initiation codon are expected to result in either loss of translation initiation, N-terminal truncation, or cause a shift in the mRNA reading frame; however, there are multiple in-frame methionine residues downstream of the initiation site, which may result in N-terminal truncation of unknown functional significance. Since supporting evidence is limited at this time, the clinical significance of this alteration remains unclear.

NM_000268.4(NF2):c.3G>A (p.Met1Ile)

Gene: NF2 (NF2, moesin-ezrin-radixin like (MERLIN) tumor suppressor; plus strand). Cytogenetic location: 22q12.2.
Variant type: single nucleotide variant.
Coding change: c.3G>A on transcript NM_000268.4 (MANE Select); coding-DNA position 3, G replaced by A.
Protein change: p.Met1Ile; changes the start codon (methionine 1).
Molecular consequence: missense variant, initiator codon variant. On other transcripts: 5 prime UTR variant (4), non-coding transcript variant (1).
Genome position (GRCh38, 1-based): chr22:29,604,001, G>A. VCF-style: chr22-29604001-G-A. GRCh37 (hg19) VCF-style: chr22-29999990-G-A.
Other names: c.-228G>A (NM_001407053.1, NM_001407056.1); c.3G>A, p.Met1Ile (NM_001407054.1, NM_001407055.1, NM_001407057.1 and 15 more transcripts); c.-638G>A (NM_001407065.1); c.-254G>A (NM_001407067.1); short protein forms M1I.
Identifiers: ClinVar variation 2453816 (VCV002453816.3), dbSNP rs1289698316, ClinGen allele CA411145673.
Genomic context (GRCh38, chr22:29,604,001, plus strand): 5'-TAAAGGGCTCAGAGTGCAGGCCGTGGGGCGCGAGGGTCCCGGGCCTGAGCCCCGCGCCAT[G>A]GCCGGGGCCATCGCTTCCCGCATGAGCTTCAGCTCTCTCAAGAGGAAGCAACCCAAGACG-3'
Protein context (NP_000259.1, residues 1-11): [Met1Ile]AGAIASRMSF